The following is an entry in ClinVar:

ClinVar aggregate classification (germline): Benign. Review status: criteria provided, single submitter (1 of 4 stars). 2 submissions from 2 submitters: Benign (1). 1 of the submissions does not count toward it. Last evaluated 2026-02-01.

Conditions:
RCBTB1-related disorder. Also called: RCBTB1-related condition.

Allele frequency attached by ClinVar (database versions not stated): 1000 Genomes Project 30x 0.00437; 1000 Genomes Project 0.00479.

Submissions (2):

Labcorp Genetics (formerly Invitae), Labcorp
Classification: Benign. Last evaluated: 2026-02-01. Review status: criteria provided, single submitter. Criteria: Invitae Variant Classification Sherloc (09022015). Collection method: clinical testing. Allele origin: germline.

PreventionGenetics, part of Exact Sciences
Classification: Benign for RCBTB1-related condition. Last evaluated: 2024-09-25. Review status: no assertion criteria provided. Collection method: clinical testing. Allele origin: germline. Not counted in ClinVar's aggregate classification.
Comment: This variant is classified as benign based on ACMG/AMP sequence variant interpretation guidelines (Richards et al. 2015 PMID: 25741868, with internal and published modifications).

NM_018191.4(RCBTB1):c.951C>G (p.Ser317=)

Gene: RCBTB1 (RCC1 and BTB domain containing protein 1; minus strand). Cytogenetic location: 13q14.2.
Variant type: single nucleotide variant.
Coding change: c.951C>G on transcript NM_018191.4 (MANE Select); coding-DNA position 951, C replaced by G.
Protein change: p.Ser317=; no amino-acid change (serine 317 retained).
Molecular consequence: synonymous variant. On other transcripts: non-coding transcript variant (2).
Genome position (GRCh38, 1-based): chr13:49,549,552, G>C on the plus strand (C>G on the coding strand, the complement: RCBTB1 is on the minus strand). VCF-style: chr13-49549552-G-C. GRCh37 (hg19) VCF-style: chr13-50123688-G-C.
Other names: c.951C>G, p.Ser317= (NM_001352500.2, NM_001352501.2, NM_001352502.2 and 3 more transcripts); c.372C>G, p.Ser124= (NM_001352506.2).
Identifiers: ClinVar variation 723655 (VCV000723655.12), dbSNP rs3751382, ClinGen allele CA6982731.